The following is an entry in ClinVar:

ClinVar aggregate classification (germline): Uncertain significance (1 of 4 stars; one submission).

Conditions:
Early Myoclonic Encephalopathy. Identifiers: MedGen C0270855.

Allele frequency attached by ClinVar (database versions not stated): gnomAD exomes 0.00003; ExAC 0.00001; TOPMed 0.00002; gnomAD 0.00003.
gnomAD v4.1: 42 of 1,613,982 alleles (0.0026%); highest among the groups gnomAD compares: Non-Finnish European, 0.0035%; no homozygotes.

Submission:

Labcorp Genetics (formerly Invitae), Labcorp
Classification: Uncertain significance for Early Myoclonic Encephalopathy. Last evaluated: 2025-04-07. Review status: criteria provided, single submitter. Criteria: Invitae Variant Classification Sherloc (09022015). Collection method: clinical testing. Allele origin: germline.
Comment: This sequence change replaces histidine, which is basic and polar, with arginine, which is basic and polar, at codon 276 of the JMJD1C protein (p.His276Arg). This variant is present in population databases (rs778364614, gnomAD 0.005%). This variant has not been reported in the literature in individuals affected with JMJD1C-related conditions. ClinVar contains an entry for this variant (Variation ID: 2041309). Invitae Evidence Modeling of protein sequence and biophysical properties (such as structural, functional, and spatial information, amino acid conservation, physicochemical variation, residue mobility, and thermodynamic stability) has been performed for this missense variant. However, the output from this modeling did not meet the statistical confidence thresholds required to predict the impact of this variant on JMJD1C protein function. In summary, the available evidence is currently insufficient to determine the role of this variant in disease. Therefore, it has been classified as a Variant of Uncertain Significance.

NM_032776.3(JMJD1C):c.827A>G (p.His276Arg)

Gene: JMJD1C (jumonji domain containing 1C; minus strand). Cytogenetic location: 10q21.3.
Variant type: single nucleotide variant.
Coding change: c.827A>G on transcript NM_032776.3 (MANE Select); coding-DNA position 827, A replaced by G.
Protein change: p.His276Arg; replaces histidine 276 with arginine.
Molecular consequence: missense variant. On other transcripts: 5 prime UTR variant (1), non-coding transcript variant (1).
Genome position (GRCh38, 1-based): chr10:63,215,451, T>C on the plus strand (A>G on the coding strand, the complement: JMJD1C is on the minus strand). VCF-style: chr10-63215451-T-C. GRCh37 (hg19) VCF-style: chr10-64975211-T-C.
Other names: c.281A>G, p.His94Arg (NM_001282948.2, NM_001318154.2); c.-38A>G (NM_001318153.2); c.713A>G, p.His238Arg (NM_001322252.2); c.170A>G, p.His57Arg (NM_001322254.2, NM_001322258.2); short protein forms H57R, H94R, H238R, H276R.
Identifiers: ClinVar variation 2041309 (VCV002041309.4), dbSNP rs778364614, ClinGen allele CA5518930.
Genomic context (GRCh38, chr10:63,215,451, plus strand): 5'-GGTACAGCAGCTTGGGAGTTCATTGCTGGTCTGGGACTATTTGCTTGGGCACGTGTATAA[T>C]GGCTCTAAAAATAACCAATTAACAGTAATTGTTTACTACCTGGTTTCTACTAGCCTAAGG-3'
Protein context (NP_116165.1, residues 266-286): ANQNVNAVHS[His276Arg]YTRAQANSPR